The following is an entry in ClinVar:

NM_024642.5(GALNT12):c.920C>A (p.Ser307Tyr)

Gene: GALNT12 (polypeptide N-acetylgalactosaminyltransferase 12; plus strand). Cytogenetic location: 9q22.33.
Variant type: single nucleotide variant.
Coding change: c.920C>A on transcript NM_024642.5 (MANE Select); coding-DNA position 920, C replaced by A.
Protein change: p.Ser307Tyr; replaces serine 307 with tyrosine.
Molecular consequence: missense variant.
Genome position (GRCh38, 1-based): chr9:98,835,251, C>A. VCF-style: chr9-98835251-C-A. GRCh37 (hg19) VCF-style: chr9-101597533-C-A.
Other names: short protein forms S307Y.
Identifiers: ClinVar variation 1766195 (VCV001766195.2), dbSNP rs1836109890, ClinGen allele CA374219321.

ClinVar aggregate classification (germline): Uncertain significance (1 of 4 stars; one submission).

Submission:

Ambry Genetics
Classification: Uncertain significance. Last evaluated: 2022-04-26. Review status: criteria provided, single submitter. Criteria: Ambry Variant Classification Scheme 2023. Collection method: clinical testing. Allele origin: germline.
Comment: The p.S307Y variant (also known as c.920C>A), located in coding exon 5 of the GALNT12 gene, results from a C to A substitution at nucleotide position 920. The serine at codon 307 is replaced by tyrosine, an amino acid with dissimilar properties. This amino acid position is conserved. In addition, this alteration is predicted to be deleterious by in silico analysis. Since supporting evidence is limited at this time, the clinical significance of this alteration remains unclear.